The following is an entry in ClinVar:

ClinVar aggregate classification (germline): Likely pathogenic (1 of 4 stars; one submission).

Submission:

Labcorp Genetics (formerly Invitae), Labcorp
Classification: Likely pathogenic. Last evaluated: 2025-09-08. Review status: criteria provided, single submitter. Criteria: Invitae Variant Classification Sherloc (09022015). Collection method: clinical testing. Allele origin: germline.
Comment: This sequence change replaces cysteine, which is neutral and slightly polar, with tyrosine, which is neutral and polar, at codon 84 of the USH2A protein (p.Cys84Tyr). This variant is not present in population databases (gnomAD no frequency). This missense change has been observed in individual(s) with clinical features of USH2A-related conditions (PMID: 37981655; internal data). ClinVar contains an entry for this variant (Variation ID: 1001066). Invitae Evidence Modeling of protein sequence and biophysical properties (such as structural, functional, and spatial information, amino acid conservation, physicochemical variation, residue mobility, and thermodynamic stability) has been performed for this missense variant. However, the output from this modeling did not meet the statistical confidence thresholds required to predict the impact of this variant on USH2A protein function. In summary, the currently available evidence indicates that the variant is pathogenic, but additional data are needed to prove that conclusively. Therefore, this variant has been classified as Likely Pathogenic.

Literature cited by the submitters: PubMed 37981655.

NM_206933.4(USH2A):c.251G>A (p.Cys84Tyr)

Gene: USH2A (usherin; minus strand). Cytogenetic location: 1q41.
Variant type: single nucleotide variant.
Coding change: c.251G>A on transcript NM_206933.4 (MANE Select); coding-DNA position 251, G replaced by A.
Protein change: p.Cys84Tyr; replaces cysteine 84 with tyrosine.
Molecular consequence: missense variant.
Genome position (GRCh38, 1-based): chr1:216,422,086, C>T on the plus strand (G>A on the coding strand, the complement: USH2A is on the minus strand). VCF-style: chr1-216422086-C-T. GRCh37 (hg19) VCF-style: chr1-216595428-C-T.
Other names: c.251G>A, p.Cys84Tyr (NM_007123.6); short protein forms C84Y.
Identifiers: ClinVar variation 1001066 (VCV001001066.7), dbSNP rs1247310031, ClinGen allele CA344904369.
Genomic context (GRCh38, chr1:216,422,086, plus strand): 5'-CCTGCTGAGAAAAGGGCAGTGTAGGTAGGGTGTGAAGATCTGTATGGGCAATCCTGAATA[C>T]AAAACCGCTGGGTACAGAACTGAATACTTTCAGCAGCAGCAGAGCTGTGACAAAAAGTGC-3'
Protein context (NP_996816.3, residues 74-94): ESIQFCTQRF[Cys84Tyr]IQDCPYRSSH